The following is an entry in ClinVar:

ClinVar aggregate classification (germline): Uncertain significance (1 of 4 stars; one submission).

Submission:

Labcorp Genetics (formerly Invitae), Labcorp
Classification: Uncertain significance. Last evaluated: 2021-11-10. Review status: criteria provided, single submitter. Criteria: Invitae Variant Classification Sherloc (09022015). Collection method: clinical testing. Allele origin: germline.
Comment: Advanced modeling of protein sequence and biophysical properties (such as structural, functional, and spatial information, amino acid conservation, physicochemical variation, residue mobility, and thermodynamic stability) performed at Invitae indicates that this missense variant is not expected to disrupt COL2A1 protein function. This variant has not been reported in the literature in individuals affected with COL2A1-related conditions. This variant is not present in population databases (gnomAD no frequency). This sequence change replaces lysine, which is basic and polar, with glutamine, which is neutral and polar, at codon 574 of the COL2A1 protein (p.Lys574Gln). In summary, the available evidence is currently insufficient to determine the role of this variant in disease. Therefore, it has been classified as a Variant of Uncertain Significance.

NM_001844.5(COL2A1):c.1720A>C (p.Lys574Gln)

Gene: COL2A1 (collagen type II alpha 1 chain; minus strand). Cytogenetic location: 12q13.11.
Variant type: single nucleotide variant.
Coding change: c.1720A>C on transcript NM_001844.5 (MANE Select); coding-DNA position 1720, A replaced by C.
Protein change: p.Lys574Gln; replaces lysine 574 with glutamine.
Molecular consequence: missense variant.
Genome position (GRCh38, 1-based): chr12:47,985,548, T>G on the plus strand (A>C on the coding strand, the complement: COL2A1 is on the minus strand). VCF-style: chr12-47985548-T-G. GRCh37 (hg19) VCF-style: chr12-48379331-T-G.
Other names: c.1513A>C, p.Lys505Gln (NM_033150.3); short protein forms K574Q, K505Q.
Identifiers: ClinVar variation 1414546 (VCV001414546.6), dbSNP rs2136566507, ClinGen allele CA384551003.